The following is an entry in ClinVar:

ClinVar aggregate classification (germline): Uncertain significance (1 of 4 stars; one submission).

Conditions:
Werner syndrome (WRN). Identifiers: Orphanet 902, MedGen C0043119, MONDO:0010196, OMIM 277700.

Allele frequency attached by ClinVar (database versions not stated): ExAC 0.00001; gnomAD 0.00001; gnomAD exomes 0.00001; TOPMed 0.00001.

Submission:

Labcorp Genetics (formerly Invitae), Labcorp
Classification: Uncertain significance for Werner syndrome. Last evaluated: 2024-05-13. Review status: criteria provided, single submitter. Criteria: Invitae Variant Classification Sherloc (09022015). Collection method: clinical testing. Allele origin: germline.
Comment: This sequence change replaces histidine, which is basic and polar, with arginine, which is basic and polar, at codon 400 of the WRN protein (p.His400Arg). This variant is present in population databases (rs757065467, gnomAD 0.007%). This variant has not been reported in the literature in individuals affected with WRN-related conditions. ClinVar contains an entry for this variant (Variation ID: 404048). An algorithm developed to predict the effect of missense changes on protein structure and function (PolyPhen-2) suggests that this variant¬†is likely to be tolerated. In summary, the available evidence is currently insufficient to determine the role of this variant in disease. Therefore, it has been classified as a Variant of Uncertain Significance.

NM_000553.6(WRN):c.1199A>G (p.His400Arg)

Gene: WRN (WRN RecQ like helicase; plus strand). Cytogenetic location: 8p12.
Variant type: single nucleotide variant.
Coding change: c.1199A>G on transcript NM_000553.6 (MANE Select); coding-DNA position 1199, A replaced by G.
Protein change: p.His400Arg; replaces histidine 400 with arginine.
Molecular consequence: missense variant.
Genome position (GRCh38, 1-based): chr8:31,081,226, A>G. VCF-style: chr8-31081226-A-G. GRCh37 (hg19) VCF-style: chr8-30938742-A-G.
Other names: short protein forms H400R.
Identifiers: ClinVar variation 404048 (VCV000404048.4), dbSNP rs757065467, ClinGen allele CA4704269.
Genomic context (GRCh38, chr8:31,081,226, plus strand): 5'-ACAACAAATTGAAAGAGAATATGGAAAGAGCTTGTTTGATGTCGTTAGATATTACAGAAC[A>G]TGAACTCCAAATTTTGGAACAGCAGTCTCAGGAAGAATATCTTAGTGATATTGCTTATAA-3'
Protein context (NP_000544.2, residues 390-410): ACLMSLDITE[His400Arg]ELQILEQQSQ